The following is an entry in ClinVar:

NM_199420.4(POLQ):c.5090C>T (p.Ser1697Phe)

Gene: POLQ (DNA polymerase theta; minus strand). Cytogenetic location: 3q13.33.
Variant type: single nucleotide variant.
Coding change: c.5090C>T on transcript NM_199420.4 (MANE Select); coding-DNA position 5090, C replaced by T.
Protein change: p.Ser1697Phe; replaces serine 1697 with phenylalanine.
Molecular consequence: missense variant.
Genome position (GRCh38, 1-based): chr3:121,487,841, G>A on the plus strand (C>T on the coding strand, the complement: POLQ is on the minus strand). VCF-style: chr3-121487841-G-A. GRCh37 (hg19) VCF-style: chr3-121206688-G-A.
Other names: short protein forms S1697F.
Identifiers: ClinVar variation 2449288 (VCV002449288.2), dbSNP rs2048026406, ClinGen allele CA354092017.

ClinVar aggregate classification (germline): Uncertain significance (1 of 4 stars; one submission).

Allele frequency attached by ClinVar (database versions not stated): gnomAD exomes below 0.00001; TOPMed below 0.00001.
gnomAD v4.1: 4 of 1,610,144 alleles (0.00025%); highest among the groups gnomAD compares: African/African-American, 0.0013%; no homozygotes.

Submission:

Ambry Genetics
Classification: Uncertain significance. Last evaluated: 2022-12-05. Review status: criteria provided, single submitter. Criteria: Ambry Variant Classification Scheme 2023. Collection method: clinical testing. Allele origin: germline.
Comment: The p.S1697F variant (also known as c.5090C>T), located in coding exon 16 of the POLQ gene, results from a C to T substitution at nucleotide position 5090. The serine at codon 1697 is replaced by phenylalanine, an amino acid with highly dissimilar properties. This amino acid position is conserved. In addition, this alteration is predicted to be tolerated by in silico analysis. Since supporting evidence is limited at this time, the clinical significance of this alteration remains unclear.